The following is an entry in ClinVar:

NM_002734.5(PRKAR1A):c.758T>G (p.Val253Gly)

Gene: PRKAR1A (protein kinase cAMP-dependent type I regulatory subunit alpha; plus strand). Cytogenetic location: 17q24.2.
Variant type: single nucleotide variant.
Coding change: c.758T>G on transcript NM_002734.5 (MANE Select); coding-DNA position 758, T replaced by G.
Protein change: p.Val253Gly; replaces valine 253 with glycine.
Molecular consequence: missense variant.
Genome position (GRCh38, 1-based): chr17:68,527,889, T>G. VCF-style: chr17-68527889-T-G. GRCh37 (hg19) VCF-style: chr17-66524030-T-G.
Other names: c.758T>G, p.Val253Gly (NM_212471.3, NM_212472.2, NM_001276289.2 and 4 more transcripts); short protein forms V253G.
Identifiers: ClinVar variation 5027309 (VCV005027309.1).

ClinVar aggregate classification (germline): Uncertain significance (1 of 4 stars; one submission).

Conditions:
Hereditary cancer-predisposing syndrome. Also called: Neoplastic Syndromes, Hereditary; Tumor predisposition; Hereditary neoplastic syndrome; Hereditary Cancer Syndrome. Identifiers: Orphanet 140162, MedGen C0027672, MeSH D009386, MONDO:0015356.

Submission:

Ambry Genetics
Classification: Uncertain significance for Hereditary cancer-predisposing syndrome. Last evaluated: 2026-07-06. Review status: criteria provided, single submitter. Criteria: Ambry Variant Classification Scheme 2023. Collection method: clinical testing. Allele origin: germline.
Comment: The p.V253G variant (also known as c.758T>G), located in coding exon 7 of the PRKAR1A gene, results from a T to G substitution at nucleotide position 758. The valine at codon 253 is replaced by glycine, an amino acid with dissimilar properties. This amino acid position is conserved. In addition, this alteration is predicted to be deleterious by in silico analysis. Based on the available evidence, the clinical significance of this variant remains unclear.